The following is an entry in ClinVar:

ClinVar aggregate classification (germline): Uncertain significance (1 of 4 stars; one submission).

Submission:

Labcorp Genetics (formerly Invitae), Labcorp
Classification: Uncertain significance. Last evaluated: 2025-10-15. Review status: criteria provided, single submitter. Criteria: Invitae Variant Classification Sherloc (09022015). Collection method: clinical testing. Allele origin: germline.
Comment: This sequence change replaces isoleucine, which is neutral and non-polar, with threonine, which is neutral and polar, at codon 376 of the TOP2B protein (p.Ile376Thr). This variant is not present in population databases (gnomAD no frequency). This variant has not been reported in the literature in individuals affected with TOP2B-related conditions. An algorithm developed to predict the effect of missense changes on protein structure and function (PolyPhen-2) suggests that this variant is likely to be tolerated. In summary, the available evidence is currently insufficient to determine the role of this variant in disease. Therefore, it has been classified as a Variant of Uncertain Significance.

NM_001330700.2(TOP2B):c.1142T>C (p.Ile381Thr)

Gene: TOP2B (DNA topoisomerase II beta; minus strand). Cytogenetic location: 3p24.2.
Variant type: single nucleotide variant.
Coding change: c.1142T>C on transcript NM_001330700.2 (MANE Select); coding-DNA position 1142, T replaced by C.
Protein change: p.Ile381Thr; replaces isoleucine 381 with threonine.
Molecular consequence: missense variant.
Genome position (GRCh38, 1-based): chr3:25,632,570, A>G on the plus strand (T>C on the coding strand, the complement: TOP2B is on the minus strand). VCF-style: chr3-25632570-A-G. GRCh37 (hg19) VCF-style: chr3-25674061-A-G.
Other names: c.1127T>C, p.Ile376Thr (NM_001068.3); short protein forms I381T, I376T.
Identifiers: ClinVar variation 4773302 (VCV004773302.1).
Genomic context (GRCh38, chr3:25,632,570, plus strand): 5'-TTTTCCTTAGTCTGAGAATCAAAAGTTGGATTTTCAATAAGGCAATTAATAAAAACCCAT[A>G]TATGGTTTTTTACCTGTTGAAAACATACCCAAAAAAGTCAATATCAGAGCTGATATTTAG-3'
Protein context (NP_001317629.1, residues 371-391): SVKPFQVKNH[Ile381Thr]WVFINCLIEN